The following is an entry in ClinVar:

ClinVar aggregate classification (germline): Uncertain significance (1 of 4 stars; one submission).

Conditions:
Immunodeficiency, common variable, 2 (CVID2). Also called: ANTIBODY DEFICIENCY DUE TO TACI DEFECT; HYPOGAMMAGLOBULINEMIA DUE TO TACI DEFICIENCY. Identifiers: Orphanet 1572, MedGen C3150354, MONDO:0009413, OMIM 240500.

Submission:

Labcorp Genetics (formerly Invitae), Labcorp
Classification: Uncertain significance for Immunodeficiency, common variable, 2. Last evaluated: 2019-07-31. Review status: criteria provided, single submitter. Criteria: Invitae Variant Classification Sherloc (09022015). Collection method: clinical testing. Allele origin: germline.
Comment: This sequence change replaces glutamine with histidine at codon 159 of the TNFRSF13B protein (p.Gln159His). The glutamine residue is highly conserved and there is a small physicochemical difference between glutamine and histidine. This variant is not present in population databases (ExAC no frequency). This variant has not been reported in the literature in individuals with TNFRSF13B-related conditions. Algorithms developed to predict the effect of missense changes on protein structure and function are either unavailable or do not agree on the potential impact of this missense change (SIFT: "Deleterious"; PolyPhen-2: "Probably Damaging"; Align-GVGD: "Class C0"). In summary, the available evidence is currently insufficient to determine the role of this variant in disease. Therefore, it has been classified as a Variant of Uncertain Significance.

NM_012452.3(TNFRSF13B):c.477G>C (p.Gln159His)

Gene: TNFRSF13B (TNF receptor superfamily member 13B; minus strand). Cytogenetic location: 17p11.2.
Variant type: single nucleotide variant.
Coding change: c.477G>C on transcript NM_012452.3 (MANE Select); coding-DNA position 477, G replaced by C.
Protein change: p.Gln159His; replaces glutamine 159 with histidine.
Molecular consequence: missense variant.
Genome position (GRCh38, 1-based): chr17:16,940,480, C>G on the plus strand (G>C on the coding strand, the complement: TNFRSF13B is on the minus strand). VCF-style: chr17-16940480-C-G. GRCh37 (hg19) VCF-style: chr17-16843794-C-G.
Other names: short protein forms Q159H.
Identifiers: ClinVar variation 962532 (VCV000962532.7), dbSNP rs2087502189, ClinGen allele CA398519665.
Genomic context (GRCh38, chr17:16,940,480, plus strand): 5'-CAGGAAGCAGCAGAGGACGGCACACAGGCAGAGCCCCAGCGTGCTGTAGACCAGGGCCAC[C>G]TGATCTGCACTCAGCTTCAGCCCCGGGAGAGCTGCAAGACAGCATGAGACCCCTCTCTGC-3'
Protein context (NP_036584.1, residues 149-169): ALPGLKLSAD[Gln159His]VALVYSTLGL